The following is an entry in ClinVar:

NM_000257.4(MYH7):c.3882G>T (p.Lys1294Asn)

Gene: MYH7 (myosin heavy chain 7; minus strand). Cytogenetic location: 14q11.2.
Variant type: single nucleotide variant.
Coding change: c.3882G>T on transcript NM_000257.4 (MANE Select); coding-DNA position 3882, G replaced by T.
Protein change: p.Lys1294Asn; replaces lysine 1294 with asparagine.
Molecular consequence: missense variant.
Genome position (GRCh38, 1-based): chr14:23,419,267, C>A on the plus strand (G>T on the coding strand, the complement: MYH7 is on the minus strand). VCF-style: chr14-23419267-C-A. GRCh37 (hg19) VCF-style: chr14-23888476-C-A.
Other names: short protein forms K1294N.
Identifiers: ClinVar variation 1331924 (VCV001331924.3), dbSNP rs1892363435, ClinGen allele CA389041719.

ClinVar aggregate classification (germline): Uncertain significance (1 of 4 stars; one submission).

Conditions:
Cardiomyopathy (CMYO). Also called: Cardiomyopathies. Identifiers: Orphanet 167848, MedGen C0878544, MONDO:0004994, HP:0001638. Inheritance: Various modes of inheritance.

Submission:

Color Diagnostics, LLC DBA Color Health
Classification: Uncertain significance for Cardiomyopathy. Last evaluated: 2024-03-06. Review status: criteria provided, single submitter. Criteria: ACMG Guidelines, 2015. Collection method: clinical testing. Allele origin: germline.
Comment: This missense variant replaces lysine with asparagine at codon 1294 of the MYH7 protein. Computational prediction is inconclusive regarding the impact of this variant on protein structure and function (internally defined REVEL score threshold 0.5 < inconclusive < 0.7, PMID: 27666373). To our knowledge, functional studies have not been reported for this variant. This variant has not been reported in individuals affected with cardiovascular disorders in the literature. This variant has not been identified in the general population by the Genome Aggregation Database (gnomAD). The available evidence is insufficient to determine the role of this variant in disease conclusively. Therefore, this variant is classified as a Variant of Uncertain Significance.